The following is an entry in ClinVar:

ClinVar aggregate classification (germline): Likely benign (1 of 4 stars; one submission).

Submission:

CeGaT Center for Human Genetics Tuebingen
Classification: Likely benign. Last evaluated: 2025-08-01. Review status: criteria provided, single submitter. Criteria: CeGaT Center For Human Genetics Tuebingen Variant Classification Criteria Version 2. Collection method: clinical testing. Allele origin: germline. Affected: yes. Observed: 1 variant allele.
Comment: APC: PM2:Supporting, BP4, BP7

NM_000038.6(APC):c.4224A>G (p.Glu1408=)

Gene: APC (APC regulator of Wnt signaling pathway; plus strand). Cytogenetic location: 5q22.2.
Variant type: single nucleotide variant.
Coding change: c.4224A>G on transcript NM_000038.6 (MANE Select); coding-DNA position 4224, A replaced by G.
Protein change: p.Glu1408=; no amino-acid change (glutamic acid 1408 retained).
Molecular consequence: synonymous variant. On other transcripts: non-coding transcript variant (2).
Genome position (GRCh38, 1-based): chr5:112,839,818, A>G. VCF-style: chr5-112839818-A-G. GRCh37 (hg19) VCF-style: chr5-112175515-A-G.
Other names: c.4224A>G, p.Glu1408= (NM_001127510.3, NM_001354895.2, NM_001407450.1); c.4170A>G, p.Glu1390= (NM_001127511.3); c.4278A>G, p.Glu1426= (NM_001354896.2, NM_001407447.1, NM_001407448.1 and 1 more transcripts); c.4254A>G, p.Glu1418= (NM_001354897.2); c.4149A>G, p.Glu1383= (NM_001354898.2); c.4140A>G, p.Glu1380= (NM_001354899.2); c.4101A>G, p.Glu1367= (NM_001354900.2); c.4047A>G, p.Glu1349= (NM_001354901.2, NM_001407453.1); and 11 more.
Identifiers: ClinVar variation 4085710 (VCV004085710.8).